The following is an entry in ClinVar:

ClinVar aggregate classification (germline): Likely benign (1 of 4 stars; one submission).

Conditions:
OSBPL2-related disorder. Also called: OSBPL2-related condition.

gnomAD v4.1: 49 of 1,602,472 alleles (0.0031%); highest among the groups gnomAD compares: East Asian, 0.1%; no homozygotes.

Submission:

PreventionGenetics, part of Exact Sciences
Classification: Likely benign for OSBPL2-related condition. Last evaluated: 2025-11-17. Review status: criteria provided, single submitter. Criteria: ACMG Guidelines, 2015. Collection method: clinical testing. Allele origin: germline.
Comment: This variant is classified as likely benign based on ACMG/AMP sequence variant interpretation guidelines (Richards et al. 2015 PMID: 25741868, with internal and published modifications).

NM_144498.4(OSBPL2):c.*39C>A

Gene: OSBPL2 (oxysterol binding protein like 2; plus strand). Cytogenetic location: 20q13.33.
Variant type: single nucleotide variant.
Coding change: c.*39C>A on transcript NM_144498.4 (MANE Select); 39 bases downstream of the stop codon, C replaced by A.
Molecular consequence: 3 prime UTR variant. On other transcripts: missense variant (1).
Genome position (GRCh38, 1-based): chr20:62,293,926, C>A. VCF-style: chr20-62293926-C-A. GRCh37 (hg19) VCF-style: chr20-60868982-C-A.
Other names: c.1082C>A, p.Thr361Lys (NM_001278649.3); c.*39C>A (NM_001363878.2, NM_014835.5); short protein forms T361K.
Identifiers: ClinVar variation 4980485 (VCV004980485.1).
Genomic context (GRCh38, chr20:62,293,926, plus strand): 5'-CGACTGCCCAGATATCTACTGAGGGCCTGGAGGGGCCTGGGGCCCGGGACCGGAGGCTGA[C>A]GAGGCTGGACTTCCTCGAGTGGCCACTGTGAGCCTCGTCACAGCAGAAACCAACTTTTCT-3'